The following is an entry in ClinVar:

ClinVar aggregate classification (germline): Pathogenic/Likely pathogenic. Review status: criteria provided, multiple submitters, no conflicts (2 of 4 stars). 7 submissions from 7 submitters: Pathogenic (4); Likely pathogenic (2). 1 of the submissions does not count toward it. Last evaluated 2025-03-31.

Conditions:
Familial cancer of breast. Also called: hereditary breast carcinoma; BREAST CANCER, FAMILIAL; Hereditary breast cancer. Identifiers: Orphanet 227535, MedGen C0346153, MONDO:0016419, OMIM 114480. Disease mechanism: loss of function.
Hereditary cancer-predisposing syndrome. Also called: Neoplastic Syndromes, Hereditary; Hereditary neoplastic syndrome; Hereditary Cancer Syndrome; Tumor predisposition. Identifiers: Orphanet 140162, MedGen C0027672, MeSH D009386, MONDO:0015356.

Submissions (7):

Color Diagnostics, LLC DBA Color Health
Classification: Pathogenic for Hereditary cancer-predisposing syndrome. Last evaluated: 2025-03-31. Review status: criteria provided, single submitter. Criteria: ACMG Guidelines, 2015. Collection method: clinical testing. Allele origin: germline.
Comment: This variant changes 1 nucleotide in exon 8 of the CHEK2 gene, creating a premature translation stop signal. This variant is expected to result in an absent or non-functional protein product. This variant has been reported in an individual affected with breast cancer (PMID: 33471991). This variant has not been identified in the general population by the Genome Aggregation Database (gnomAD). Loss of CHEK2 function is a known mechanism of disease. Based on the available evidence, this variant is classified as Pathogenic.

Labcorp Genetics (formerly Invitae), Labcorp
Classification: Pathogenic for Familial cancer of breast. Last evaluated: 2025-03-09. Review status: criteria provided, single submitter. Criteria: Invitae Variant Classification Sherloc (09022015). Collection method: clinical testing. Allele origin: germline.
Comment: This sequence change creates a premature translational stop signal (p.Leu301*) in the CHEK2 gene. RNA analysis indicates that this premature translational stop signal induces altered splicing and may result in an absent or altered protein product. This variant is not present in population databases (gnomAD no frequency). This variant has not been reported in the literature in individuals affected with CHEK2-related conditions. ClinVar contains an entry for this variant (Variation ID: 265694). Studies have shown that this premature translational stop signal results in skipping of exon 8, and produces a non-functional protein and/or introduces a premature termination codon (internal data). For these reasons, this variant has been classified as Pathogenic.

Ambry Genetics
Classification: Pathogenic for Hereditary cancer-predisposing syndrome. Last evaluated: 2024-04-01. Review status: criteria provided, single submitter. Criteria: Ambry Variant Classification Scheme 2023. Collection method: clinical testing. Allele origin: germline.
Comment: The p.L301* pathogenic mutation (also known as c.902T>A), located in coding exon 7 of the CHEK2 gene, results from a T to A substitution at nucleotide position 902. This changes the amino acid from a leucine to a stop codon within coding exon 7. This variant is considered to be rare based on population cohorts in the Genome Aggregation Database (gnomAD). This alteration is expected to result in loss of function by premature protein truncation or nonsense-mediated mRNA decay. As such, this alteration is interpreted as a disease-causing mutation.

GeneDx
Classification: Likely pathogenic. Last evaluated: 2024-01-22. Review status: criteria provided, single submitter. Criteria: GeneDx Variant Classification Process June 2021. Collection method: clinical testing. Allele origin: germline. Affected: yes.
Comment: Nonsense variant predicted to result in protein truncation or nonsense mediated decay in a gene for which loss of function is a known mechanism of disease; Not observed at significant frequency in large population cohorts (gnomAD); Observed in individuals with personal and/or family history of breast, testicular, or other cancers (PMID: 33471991, 35022142); This variant is associated with the following publications: (PMID: 33471991, 32805687, 35022142)

Baylor Genetics
Classification: Likely pathogenic for Familial cancer of breast. Last evaluated: 2023-10-06. Review status: criteria provided, single submitter. Criteria: ACMG Guidelines, 2015. Collection method: clinical testing. Allele origin: unknown.

Myriad Genetics, Inc.
Classification: Pathogenic for Familial cancer of breast. Last evaluated: 2023-03-08. Review status: criteria provided, single submitter. Criteria: Myriad Autosomal Dominant, Autosomal Recessive and X-Linked Classification Criteria (2023). Collection method: clinical testing. Allele origin: unknown.
Comment: This variant is considered pathogenic. This variant creates a termination codon and is predicted to result in premature protein truncation.

Counsyl
Classification: Likely pathogenic for Familial cancer of breast. Last evaluated: 2017-01-12. Review status: no assertion criteria provided. Collection method: clinical testing. Allele origin: unknown. Not counted in ClinVar's aggregate classification.

Literature cited by the submitters: PubMed 33471991 (cited by Color Diagnostics, LLC DBA Color Health and Ambry Genetics).

NM_007194.4(CHEK2):c.902T>A (p.Leu301Ter)

Gene: CHEK2 (checkpoint kinase 2; minus strand). Cytogenetic location: 22q12.1.
Variant type: single nucleotide variant.
Coding change: c.902T>A on transcript NM_007194.4 (MANE Select); coding-DNA position 902, T replaced by A.
Protein change: p.Leu301Ter; replaces leucine 301 with a stop codon.
Molecular consequence: nonsense.
Genome position (GRCh38, 1-based): chr22:28,703,511, A>T on the plus strand (T>A on the coding strand, the complement: CHEK2 is on the minus strand). VCF-style: chr22-28703511-A-T. GRCh37 (hg19) VCF-style: chr22-29099499-A-T.
Other names: c.1031T>A, p.Leu344Ter (NM_001005735.3); c.239T>A, p.Leu80Ter (NM_001257387.3); c.701T>A, p.Leu234Ter (NM_001349956.3); c.902T>A, p.Leu301Ter (NM_145862.3); short protein forms L301*, L344*, L80*, L234*.
Identifiers: ClinVar variation 265694 (VCV000265694.21), dbSNP rs886039739, ClinGen allele CA10588720.